The following is an entry in ClinVar:

NM_000321.3(RB1):c.1351C>G (p.Arg451Gly)

Gene: RB1 (RB transcriptional corepressor 1; plus strand). Cytogenetic location: 13q14.2.
Variant type: single nucleotide variant.
Coding change: c.1351C>G on transcript NM_000321.3 (MANE Select); coding-DNA position 1351, C replaced by G.
Protein change: p.Arg451Gly; replaces arginine 451 with glycine.
Molecular consequence: missense variant.
Genome position (GRCh38, 1-based): chr13:48,379,612, C>G. VCF-style: chr13-48379612-C-G. GRCh37 (hg19) VCF-style: chr13-48953748-C-G.
Other names: c.1351C>G, p.Arg451Gly (NM_001407165.1, NM_001407166.1); short protein forms R451G.
Identifiers: ClinVar variation 1928397 (VCV001928397.5), dbSNP rs759079385, ClinGen allele CA388162568.

ClinVar aggregate classification (germline): Uncertain significance (1 of 4 stars; one submission).

Conditions:
Retinoblastoma (RB1). Also called: RETINOBLASTOMA, SOMATIC. Identifiers: Orphanet 790, MedGen C0035335, MeSH D012175, MONDO:0008380, OMIM 180200, HP:0009919. Disease mechanism: loss of function. Inheritance: Both sporadic and heritable forms are tested..

Submission:

Labcorp Genetics (formerly Invitae), Labcorp
Classification: Uncertain significance for Retinoblastoma. Last evaluated: 2024-04-16. Review status: criteria provided, single submitter. Criteria: Invitae Variant Classification Sherloc (09022015). Collection method: clinical testing. Allele origin: germline.
Comment: This sequence change replaces arginine, which is basic and polar, with glycine, which is neutral and non-polar, at codon 451 of the RB1 protein (p.Arg451Gly). This variant is not present in population databases (gnomAD no frequency). This variant has not been reported in the literature in individuals affected with RB1-related conditions. ClinVar contains an entry for this variant (Variation ID: 1928397). Advanced modeling of protein sequence and biophysical properties (such as structural, functional, and spatial information, amino acid conservation, physicochemical variation, residue mobility, and thermodynamic stability) performed at Invitae indicates that this missense variant is not expected to disrupt RB1 protein function with a negative predictive value of 80%. In summary, the available evidence is currently insufficient to determine the role of this variant in disease. Therefore, it has been classified as a Variant of Uncertain Significance.